The following is an entry in ClinVar:

NM_018139.3(DNAAF2):c.1555del (p.Glu519fs)

Gene: DNAAF2 (dynein axonemal assembly factor 2; minus strand). Cytogenetic location: 14q21.3.
Variant type: Deletion.
Coding change: c.1555del on transcript NM_018139.3 (MANE Select); coding-DNA position 1555, one base deleted (G; older notation c.1555delG).
Protein change: p.Glu519fs; shifts the reading frame from glutamic acid 519.
Molecular consequence: frameshift variant. On other transcripts: 5 prime UTR variant (1).
Genome position (GRCh38, 1-based): chr14:49,633,595, C deleted on the plus strand (G on the coding strand, the reverse complement: DNAAF2 is on the minus strand); the first of 4 consecutive C bases (chr14:49,633,595-49,633,598); deleting any one gives the same sequence. VCF-style (leftmost placement, unchanged base first): chr14-49633594-TC-T. GRCh37 (hg19) VCF-style: chr14-50100312-TC-T.
Other names: c.1555delG (NM_018139.2); c.1555del, p.Glu519fs (NM_001083908.2); c.-317del (NM_001378453.1); short protein forms E519fs.
Identifiers: ClinVar variation 505384 (VCV000505384.4), dbSNP rs1555327917, ClinGen allele CA658798211.

ClinVar aggregate classification (germline): Likely pathogenic (1 of 4 stars; one submission).

Conditions:
Primary ciliary dyskinesia. Also called: Ciliary dyskinesia. Identifiers: Orphanet 244, MedGen C0008780, MONDO:0016575, HP:0012265.

Submission:

Laboratory for Molecular Medicine, Mass General Brigham Personalized Medicine
Classification: Likely pathogenic for Primary ciliary dyskinesia. Last evaluated: 2016-11-18. Review status: criteria provided, single submitter. Criteria: LMM Criteria. Collection method: clinical testing. Allele origin: germline. Inheritance: Autosomal recessive inheritance. Observed: 1 variant allele.
Comment: The p.Glu519SerfsX16 variant in DNAAF2 has not been previously reported in patie nts and was absent from large population studies. This variant is predicted to c ause a frameshift, which alters the protein?s amino acid sequence beginning at p osition 519 and leads to a premature termination codon 16 amino acids downstream . This alteration is then predicted to lead to a truncated or absent protein. Bi allelic loss of function of DNAAF2 has been associated with primary ciliary dysk inesia in a limited number of cases. In summary, although additional studies are required to fully establish the role of this gene in disease and the clinical s ignificance of this variant, the p.Glu519SerfsX16 variant is likely pathogenic f or primary ciliary dyskinesia in an autosomal recessive manner.